The following is an entry in ClinVar:

NM_021930.6(RINT1):c.815G>T (p.Cys272Phe)

Gene: RINT1 (RAD50 interactor 1; plus strand). Cytogenetic location: 7q22.3.
Variant type: single nucleotide variant.
Coding change: c.815G>T on transcript NM_021930.6 (MANE Select); coding-DNA position 815, G replaced by T.
Protein change: p.Cys272Phe; replaces cysteine 272 with phenylalanine.
Molecular consequence: missense variant. On other transcripts: 5 prime UTR variant (2), non-coding transcript variant (1), intron variant (1).
Genome position (GRCh38, 1-based): chr7:105,547,309, G>T. VCF-style: chr7-105547309-G-T. GRCh37 (hg19) VCF-style: chr7-105187756-G-T.
Other names: c.581G>T, p.Cys194Phe (NM_001346599.2); c.-205G>T (NM_001346600.2); c.-108G>T (NM_001346601.2); c.-27-2746G>T (NM_001346603.2); short protein forms C194F, C272F.
Identifiers: ClinVar variation 5028281 (VCV005028281.1).

ClinVar aggregate classification (germline): Uncertain significance (1 of 4 stars; one submission).

Submission:

Ambry Genetics
Classification: Uncertain significance. Last evaluated: 2026-07-13. Review status: criteria provided, single submitter. Criteria: Ambry Variant Classification Scheme 2023. Collection method: clinical testing. Allele origin: germline.
Comment: The p.C272F variant (also known as c.815G>T), located in coding exon 6 of the RINT1 gene, results from a G to T substitution at nucleotide position 815. The cysteine at codon 272 is replaced by phenylalanine, an amino acid with highly dissimilar properties. This amino acid position is conserved. In addition, this alteration is predicted to be tolerated by in silico analysis. Based on the available evidence, the clinical significance of this variant remains unclear.